The following is an entry in ClinVar:

NM_182961.4(SYNE1):c.15276A>C (p.Gln5092His)

Gene: SYNE1 (spectrin repeat containing nuclear envelope protein 1; minus strand). Cytogenetic location: 6q25.2.
Variant type: single nucleotide variant.
Coding change: c.15276A>C on transcript NM_182961.4 (MANE Select); coding-DNA position 15276, A replaced by C.
Protein change: p.Gln5092His; replaces glutamine 5092 with histidine.
Molecular consequence: missense variant.
Genome position (GRCh38, 1-based): chr6:152,326,313, T>G on the plus strand (A>C on the coding strand, the complement: SYNE1 is on the minus strand). VCF-style: chr6-152326313-T-G. GRCh37 (hg19) VCF-style: chr6-152647448-T-G.
Other names: c.15063A>C, p.Gln5021His (NM_033071.5); short protein forms Q5092H, Q5021H.
Identifiers: ClinVar variation 3571775 (VCV003571775.1).

ClinVar aggregate classification (germline): Uncertain significance (1 of 4 stars; one submission).

Submission:

Athena Diagnostics
Classification: Uncertain significance. Last evaluated: 2024-03-01. Review status: criteria provided, single submitter. Criteria: Athena Diagnostics Criteria. Collection method: clinical testing. Allele origin: unknown.
Comment: Available data are insufficient to determine the clinical significance of the variant at this time. This variant has not been reported in large, multi-ethnic general populations. Computational tools predict that this variant is not damaging.